The following is an entry in ClinVar:

ClinVar aggregate classification (germline): Likely benign. Review status: criteria provided, single submitter (1 of 4 stars). 2 submissions from 2 submitters: Likely benign (1). 1 of the submissions does not count toward it. Last evaluated 2025-06-02.

Conditions:
Tatton-Brown-Rahman overgrowth syndrome. Also called: Tall stature-intellectual disability-facial dysmorphism syndrome; Tatton-Brown-Rahman syndrome. Identifiers: Orphanet 404443, MedGen C4014545, MONDO:0014382, OMIM 615879.
DNMT3A-related disorder. Also called: DNMT3A-related disorders; DNMT3A-related condition.

Allele frequency attached by ClinVar (database versions not stated): gnomAD 0.00001; TOPMed 0.00002; gnomAD exomes 0.00004; ExAC 0.00005; ESP Exome Variant Server 0.00008.
gnomAD v4.1: 58 of 1,586,474 alleles (0.0037%); highest among the groups gnomAD compares: Non-Finnish European, 0.0043%; no homozygotes.

Submissions (2):

Labcorp Genetics (formerly Invitae), Labcorp
Classification: Likely benign for Tatton-Brown-Rahman overgrowth syndrome. Last evaluated: 2025-06-02. Review status: criteria provided, single submitter. Criteria: Invitae Variant Classification Sherloc (09022015). Collection method: clinical testing. Allele origin: germline.

PreventionGenetics, part of Exact Sciences
Classification: Likely benign for DNMT3A-related condition. Last evaluated: 2021-10-05. Review status: no assertion criteria provided. Collection method: clinical testing. Allele origin: germline. Not counted in ClinVar's aggregate classification.
Comment: This variant is classified as likely benign based on ACMG/AMP sequence variant interpretation guidelines (Richards et al. 2015 PMID: 25741868, with internal and published modifications).

NM_022552.5(DNMT3A):c.480C>T (p.Ser160=)

Genes: DNMT3A (DNA methyltransferase 3 alpha; minus strand), LOC129933290 (ATAC-STARR-seq lymphoblastoid active region 15445; plus strand). Cytogenetic location: 2p23.3.
Variant type: single nucleotide variant.
Coding change: c.480C>T on transcript NM_022552.5 (MANE Select); coding-DNA position 480, C replaced by T.
Protein change: p.Ser160=; no amino-acid change (serine 160 retained).
Molecular consequence: synonymous variant. On other transcripts: non-coding transcript variant (1).
Genome position (GRCh38, 1-based): chr2:25,275,512, G>A on the plus strand (C>T on the coding strand, the complement: DNMT3A is on the minus strand). VCF-style: chr2-25275512-G-A. GRCh37 (hg19) VCF-style: chr2-25498381-G-A.
Other names: c.480C>T, p.Ser160= (NM_175629.2).
Identifiers: ClinVar variation 2060151 (VCV002060151.5), dbSNP rs368743973, ClinGen allele CA1556448.